The following is an entry in ClinVar:

NM_182914.3(SYNE2):c.13118G>A (p.Arg4373Lys)

Gene: SYNE2 (spectrin repeat containing nuclear envelope protein 2; plus strand). Cytogenetic location: 14q23.2.
Variant type: single nucleotide variant.
Coding change: c.13118G>A on transcript NM_182914.3 (MANE Select); coding-DNA position 13118, G replaced by A.
Protein change: p.Arg4373Lys; replaces arginine 4373 with lysine.
Molecular consequence: missense variant.
Genome position (GRCh38, 1-based): chr14:64,121,021, G>A. VCF-style: chr14-64121021-G-A. GRCh37 (hg19) VCF-style: chr14-64587739-G-A.
Other names: c.13118G>A, p.Arg4373Lys (NM_015180.6); short protein forms R4373K.
Identifiers: ClinVar variation 4727984 (VCV004727984.1).

ClinVar aggregate classification (germline): Uncertain significance (1 of 4 stars; one submission).

Conditions:
Emery-Dreifuss muscular dystrophy 5, autosomal dominant (EDMD5). Also called: EMERY-DREIFUSS MUSCULAR DYSTROPHY 5. Identifiers: Orphanet 261, MedGen C2751805, MONDO:0013072, OMIM 612999.

Submission:

Labcorp Genetics (formerly Invitae), Labcorp
Classification: Uncertain significance for Emery-Dreifuss muscular dystrophy 5, autosomal dominant. Last evaluated: 2026-01-27. Review status: criteria provided, single submitter. Criteria: Invitae Variant Classification Sherloc (09022015). Collection method: clinical testing. Allele origin: germline.
Comment: This sequence change replaces arginine, which is basic and polar, with lysine, which is basic and polar, at codon 4373 of the SYNE2 protein (p.Arg4373Lys). This variant is not present in population databases (gnomAD no frequency). This variant has not been reported in the literature in individuals affected with SYNE2-related conditions. An algorithm developed to predict the effect of missense changes on protein structure and function outputs the following: PolyPhen-2: "Possibly Damaging". The lysine amino acid residue is found in multiple mammalian species, which suggests that this missense change does not adversely affect protein function. In summary, the available evidence is currently insufficient to determine the role of this variant in disease. Therefore, it has been classified as a Variant of Uncertain Significance.